The following is an entry in ClinVar:

NM_000903.3(NQO1):c.154T>C (p.Ser52Pro)

Gene: NQO1 (NAD(P)H quinone dehydrogenase 1; minus strand). Cytogenetic location: 16q22.1.
Variant type: single nucleotide variant.
Coding change: c.154T>C on transcript NM_000903.3 (MANE Select); coding-DNA position 154, T replaced by C.
Protein change: p.Ser52Pro; replaces serine 52 with proline.
Molecular consequence: missense variant.
Genome position (GRCh38, 1-based): chr16:69,718,388, A>G on the plus strand (T>C on the coding strand, the complement: NQO1 is on the minus strand). VCF-style: chr16-69718388-A-G. GRCh37 (hg19) VCF-style: chr16-69752291-A-G.
Other names: c.154T>C, p.Ser52Pro (NM_001025433.2, NM_001025434.2, NM_001286137.2); short protein forms S52P.
Identifiers: ClinVar variation 1775032 (VCV001775032.2), dbSNP rs894987542, ClinGen allele CA283361338.

ClinVar aggregate classification (germline): Uncertain significance (1 of 4 stars; one submission).

Allele frequency attached by ClinVar (database versions not stated): gnomAD exomes below 0.00001.
gnomAD v4.1: 2 of 1,614,184 alleles (0.00012%); highest among the groups gnomAD compares: African/African-American, 0.0013%; no homozygotes.

Submission:

Ambry Genetics
Classification: Uncertain significance. Last evaluated: 2022-06-24. Review status: criteria provided, single submitter. Criteria: Ambry Variant Classification Scheme 2023. Collection method: clinical testing. Allele origin: germline.
Comment: The p.S52P variant (also known as c.154T>C), located in coding exon 2 of the NQO1 gene, results from a T to C substitution at nucleotide position 154. The serine at codon 52 is replaced by proline, an amino acid with similar properties. This amino acid position is conserved. In addition, this alteration is predicted to be tolerated by in silico analysis. Since supporting evidence is limited at this time, the clinical significance of this alteration remains unclear.